The following is an entry in ClinVar:

NM_000083.3(CLCN1):c.2103T>C (p.Pro701=)

Genes: CLCN1 (chloride voltage-gated channel 1; plus strand), LOC123956257 (Sharpr-MPRA regulatory region 4117; plus strand). Cytogenetic location: 7q34.
Variant type: single nucleotide variant.
Coding change: c.2103T>C on transcript NM_000083.3 (MANE Select); coding-DNA position 2103, T replaced by C.
Protein change: p.Pro701=; no amino-acid change (proline 701 retained).
Molecular consequence: synonymous variant. On other transcripts: non-coding transcript variant (1).
Genome position (GRCh38, 1-based): chr7:143,345,693, T>C. VCF-style: chr7-143345693-T-C. GRCh37 (hg19) VCF-style: chr7-143042786-T-C.
Identifiers: ClinVar variation 3053175 (VCV003053175.2), dbSNP rs1401087098, ClinGen allele CA458542446.

ClinVar aggregate classification (germline): Likely benign (0 of 4 stars; one submission).

Conditions:
CLCN1-related disorder. Also called: CLCN1-related condition.

Submission:

PreventionGenetics, part of Exact Sciences
Classification: Likely benign for CLCN1-related condition. Last evaluated: 2022-09-30. Review status: no assertion criteria provided. Collection method: clinical testing. Allele origin: germline.
Comment: This variant is classified as likely benign based on ACMG/AMP sequence variant interpretation guidelines (Richards et al. 2015 PMID: 25741868, with internal and published modifications).